The following is an entry in ClinVar:

NM_015374.3(SUN2):c.1237C>T (p.Arg413Trp)

Genes: GTPBP1 (GTP binding protein 1; plus strand), SUN2 (Sad1 and UNC84 domain containing 2; minus strand). Cytogenetic location: 22q13.1.
Variant type: single nucleotide variant.
Coding change: c.1237C>T on transcript NM_015374.3 (MANE Select); coding-DNA position 1237, C replaced by T.
Protein change: p.Arg413Trp; replaces arginine 413 with tryptophan.
Molecular consequence: missense variant.
Genome position (GRCh38, 1-based): chr22:38,740,386, G>A on the plus strand (C>T on the coding strand, the complement: SUN2 is on the minus strand). VCF-style: chr22-38740386-G-A. GRCh37 (hg19) VCF-style: chr22-39136391-G-A.
Other names: c.1300C>T, p.Arg434Trp (NM_001199579.2); c.1237C>T, p.Arg413Trp (NM_001199580.2); short protein forms R413W, R434W.
Identifiers: ClinVar variation 665080 (VCV000665080.7), dbSNP rs534367476, ClinGen allele CA10235612.

ClinVar aggregate classification (germline): Uncertain significance (1 of 4 stars; one submission).

Conditions:
Emery-Dreifuss muscular dystrophy (EDMD). Also called: Scapuloperoneal syndrome, X-linked (formerly); Humeroperoneal neuromuscular disease, (formerly). Identifiers: Orphanet 261, MedGen C0410189, MONDO:0016830.

Allele frequency attached by ClinVar (database versions not stated): gnomAD exomes 0.00002 and 0.00005; gnomAD 0.00009; TOPMed 0.00009; 1000 Genomes Project 30x 0.00016; ExAC 0.00019; 1000 Genomes Project 0.00020.
gnomAD v4.1: 47 of 1,573,768 alleles (0.003%); highest among the groups gnomAD compares: Middle Eastern, 0.05%; no homozygotes.

Submission:

Labcorp Genetics (formerly Invitae), Labcorp
Classification: Uncertain significance for Emery-Dreifuss muscular dystrophy. Last evaluated: 2025-04-13. Review status: criteria provided, single submitter. Criteria: Invitae Variant Classification Sherloc (09022015). Collection method: clinical testing. Allele origin: germline.
Comment: This sequence change replaces arginine, which is basic and polar, with tryptophan, which is neutral and slightly polar, at codon 413 of the SUN2 protein (p.Arg413Trp). The frequency data for this variant in the population databases is considered unreliable, as metrics indicate poor data quality at this position in the gnomAD database. This variant has not been reported in the literature in individuals affected with SUN2-related conditions. ClinVar contains an entry for this variant (Variation ID: 665080). An algorithm developed to predict the effect of missense changes on protein structure and function (PolyPhen-2) suggests that this variant is likely to be disruptive. In summary, the available evidence is currently insufficient to determine the role of this variant in disease. Therefore, it has been classified as a Variant of Uncertain Significance.